The following is an entry in ClinVar:

NM_006859.4(LIAS):c.566_567delinsTT (p.Gly189Val)

Gene: LIAS (lipoic acid synthetase; plus strand). Cytogenetic location: 4p14.
Variant type: Indel.
Coding change: c.566_567delinsTT on transcript NM_006859.4 (MANE Select); coding-DNA positions 566 to 567, GA replaced by TT.
Protein change: p.Gly189Val; replaces glycine 189 with valine.
Molecular consequence: missense variant. On other transcripts: intron variant (1).
Genome position (GRCh38, 1-based): chr4:39,465,300-39,465,301, GA replaced by TT. VCF-style: chr4-39465300-GA-TT. GRCh37 (hg19) VCF-style: chr4-39466920-GA-TT.
Other names: c.566_567delinsTT, p.Gly189Val (NM_001278590.2, NM_194451.3); c.299+1695_299+1696delinsTT (NM_001363700.2); c.566_567delinsTT (NM_006859.2); short protein forms G189V.
Identifiers: ClinVar variation 1943547 (VCV001943547.6), dbSNP rs2475000482, ClinGen allele CA2580070978.
Genomic context (GRCh38, chr4:39,465,300, plus strand): 5'-CTAAATGATGACATCATCCTGAGCAGTGGATTCTTTTGTTTCTAGATATGCCTGATGGGG[GA>TT]GCTGAACACATTGCAAAGACCGTATCATATTTAAAGGAAAGGTACTTATTTTTGCATTTG-3'
Protein context (NP_006850.2, residues 179-199): SVDRDDMPDG[Gly189Val]AEHIAKTVSY

ClinVar aggregate classification (germline): Uncertain significance. Review status: criteria provided, multiple submitters, no conflicts (2 of 4 stars). 2 submissions from 2 submitters: Uncertain significance (2). Last evaluated 2022-08-31.

Conditions:
Lipoic acid synthetase deficiency. Also called: HYPERGLYCINEMIA, LACTIC ACIDOSIS, AND SEIZURES. Identifiers: Orphanet 401859, MedGen C3280887, MONDO:0013762, OMIM 614462.

Submissions (2):

GeneDx
Classification: Uncertain significance. Last evaluated: 2022-08-31. Review status: criteria provided, single submitter. Criteria: GeneDx Variant Classification Process June 2021. Collection method: clinical testing. Allele origin: germline. Affected: yes.
Comment: Not observed at significant frequency in large population cohorts (gnomAD); In silico analysis supports a deleterious effect on protein structure/function; Has not been previously published as pathogenic or benign to our knowledge

Labcorp Genetics (formerly Invitae), Labcorp
Classification: Uncertain significance for Lipoic acid synthetase deficiency. Last evaluated: 2022-05-31. Review status: criteria provided, single submitter. Criteria: Invitae Variant Classification Sherloc (09022015). Collection method: clinical testing. Allele origin: germline.
Comment: This sequence change replaces glycine, which is neutral and non-polar, with valine, which is neutral and non-polar, at codon 189 of the LIAS protein (p.Gly189Val). This variant is present in population databases (no rsID available, gnomAD 0.08%). This variant has not been reported in the literature in individuals affected with LIAS-related conditions. Algorithms developed to predict the effect of missense changes on protein structure and function are either unavailable or do not agree on the potential impact of this missense change (SIFT: "Not Available"; PolyPhen-2: "Probably Damaging"; Align-GVGD: "Not Available"). In summary, the available evidence is currently insufficient to determine the role of this variant in disease. Therefore, it has been classified as a Variant of Uncertain Significance.